The following is an entry in ClinVar:

ClinVar aggregate classification (germline): Uncertain significance (1 of 4 stars; one submission).

Submission:

Labcorp Genetics (formerly Invitae), Labcorp
Classification: Uncertain significance. Last evaluated: 2022-06-27. Review status: criteria provided, single submitter. Criteria: Invitae Variant Classification Sherloc (09022015). Collection method: clinical testing. Allele origin: germline.
Comment: This variant has not been reported in the literature in individuals affected with SHPK-related conditions. In summary, the available evidence is currently insufficient to determine the role of this variant in disease. Therefore, it has been classified as a Variant of Uncertain Significance. A copy number gain of the genomic region encompassing the full coding sequence of the SHPK gene has been identified. The boundaries of this event are unknown as they extend beyond the assayed region for this gene and therefore may encompass additional genes. As the precise location of this event is unknown, it may be in tandem or it may be located elsewhere in the genome.

NC_000017.10:g.(?_3447853)_(3571820_?)dup

Genes: CTNS (cystinosin, lysosomal cystine transporter; plus strand), SHPK (sedoheptulokinase; minus strand), TAX1BP3 (Tax1 binding protein 3; minus strand), TRPV1 (transient receptor potential cation channel subfamily V member 1; minus strand), TRPV3 (transient receptor potential cation channel subfamily V member 3; minus strand). Cytogenetic location: 17p13.2.
Variant type: Duplication.
Identifiers: ClinVar variation 2425848 (VCV002425848.4).